The following is an entry in ClinVar:

ClinVar aggregate classification (germline): Uncertain significance (1 of 4 stars; one submission).

Allele frequency attached by ClinVar (database versions not stated): gnomAD exomes below 0.00001.
gnomAD v4.1: 1 of 1,209,990 alleles (0.000083%); highest among the groups gnomAD compares: Non-Finnish European, 0.00011%; no homozygotes.

Submission:

Labcorp Genetics (formerly Invitae), Labcorp
Classification: Uncertain significance. Last evaluated: 2023-05-25. Review status: criteria provided, single submitter. Criteria: Invitae Variant Classification Sherloc (09022015). Collection method: clinical testing. Allele origin: germline.
Comment: In summary, the available evidence is currently insufficient to determine the role of this variant in disease. Therefore, it has been classified as a Variant of Uncertain Significance. An algorithm developed to predict the effect of missense changes on protein structure and function (PolyPhen-2) suggests that this variant is likely to be tolerated. This variant has not been reported in the literature in individuals affected with OPHN1-related conditions. This variant is not present in population databases (gnomAD no frequency). This sequence change replaces arginine, which is basic and polar, with serine, which is neutral and polar, at codon 796 of the OPHN1 protein (p.Arg796Ser).

NM_002547.3(OPHN1):c.2388A>T (p.Arg796Ser)

Gene: OPHN1 (oligophrenin 1; minus strand). Cytogenetic location: Xq12.
Variant type: single nucleotide variant.
Coding change: c.2388A>T on transcript NM_002547.3 (MANE Select); coding-DNA position 2388, A replaced by T.
Protein change: p.Arg796Ser; replaces arginine 796 with serine.
Molecular consequence: missense variant.
Genome position (GRCh38, 1-based): chrX:68,048,445, T>A on the plus strand (A>T on the coding strand, the complement: OPHN1 is on the minus strand). VCF-style: chrX-68048445-T-A. GRCh37 (hg19) VCF-style: chrX-67268287-T-A.
Other names: short protein forms R796S.
Identifiers: ClinVar variation 2727917 (VCV002727917.3), dbSNP rs2076839539, ClinGen allele CA413429595.